The following is an entry in ClinVar:

ClinVar aggregate classification (germline): Pathogenic/Likely pathogenic. Review status: criteria provided, multiple submitters, no conflicts (2 of 4 stars). 3 submissions from 3 submitters: Pathogenic (2); Likely pathogenic (1). Last evaluated 2025-12-29.

Conditions:
Short stature due to partial GHR deficiency. Also called: GROWTH HORMONE DEFICIENCY, ISOLATED PARTIAL; GROWTH HORMONE INSENSITIVITY, PARTIAL; Growth hormone, insensitivity to, partial. Identifiers: Orphanet 314802, Orphanet 314811, MedGen C1858656, MONDO:0011420, OMIM 604271.

Allele frequency attached by ClinVar (database versions not stated): gnomAD exomes below 0.00001; ExAC 0.00001; gnomAD 0.00001; TOPMed 0.00001.

Submissions (3):

Greenwood Genetic Center Diagnostic Laboratories, Greenwood Genetic Center
Classification: Likely pathogenic for Short stature due to partial GHR deficiency. Last evaluated: 2025-12-29. Review status: criteria provided, single submitter. Criteria: ACMG Guidelines, 2015. Collection method: clinical testing. Allele origin: germline. Affected: yes.
Comment: PVS1, PM2

Labcorp Genetics (formerly Invitae), Labcorp
Classification: Pathogenic. Last evaluated: 2025-06-16. Review status: criteria provided, single submitter. Criteria: Invitae Variant Classification Sherloc (09022015). Collection method: clinical testing. Allele origin: germline.
Comment: This sequence change affects an acceptor splice site in intron 5 of the GHR gene. It is expected to disrupt RNA splicing. Variants that disrupt the donor or acceptor splice site typically lead to a loss of protein function (PMID: 16199547), and loss-of-function variants in GHR are known to be pathogenic (PMID: 1999489, 8488849). This variant is present in population databases (rs753270641, gnomAD 0.002%). Disruption of this splice site has been observed in individuals with autosomal recessive Laron syndrome (PMID: 8504296, 28743110). ClinVar contains an entry for this variant (Variation ID: 2203646). Algorithms developed to predict the effect of sequence changes on RNA splicing suggest that this variant may disrupt the consensus splice site. For these reasons, this variant has been classified as Pathogenic.

GeneDx
Classification: Pathogenic. Last evaluated: 2023-09-20. Review status: criteria provided, single submitter. Criteria: GeneDx Variant Classification Process June 2021. Collection method: clinical testing. Allele origin: germline. Affected: yes.
Comment: Canonical splice site variant predicted to result in a null allele in a gene for which loss-of-function is a known mechanism of disease; Not observed at a significant frequency in large population cohorts (gnomAD); Identified as a private variant in a large-scale study of genomic sequencing. No clinical information was provided (Abouelhoda et al., 2016); This variant is associated with the following publications: (PMID: 27124789)

Literature cited by the submitters: PubMed 16199547 (cited by Labcorp Genetics (formerly Invitae), Labcorp); PubMed 1999489 (cited by Labcorp Genetics (formerly Invitae), Labcorp); PubMed 8488849 (cited by Labcorp Genetics (formerly Invitae), Labcorp); PubMed 8504296 (cited by Labcorp Genetics (formerly Invitae), Labcorp); PubMed 28743110 (cited by Labcorp Genetics (formerly Invitae), Labcorp).

NM_000163.5(GHR):c.440-1G>A

Gene: GHR (growth hormone receptor; plus strand). Cytogenetic location: 5p12.
Variant type: single nucleotide variant.
Coding change: c.440-1G>A on transcript NM_000163.5 (MANE Select); the canonical splice acceptor site of the intron before coding-DNA position 440, G replaced by A.
Molecular consequence: splice acceptor variant.
Genome position (GRCh38, 1-based): chr5:42,699,823, G>A. VCF-style: chr5-42699823-G-A. GRCh37 (hg19) VCF-style: chr5-42699925-G-A.
Other names: c.374-1G>A (NM_001242460.2); c.440-1G>A (NM_001242400.2, NM_001242401.4, NM_001242402.2 and 5 more transcripts); c.461-1G>A (NM_001242399.2).
Identifiers: ClinVar variation 2203646 (VCV002203646.6), dbSNP rs753270641, ClinGen allele CA3254412.